The following is an entry in ClinVar:

NM_000132.4(F8):c.1717T>C (p.Cys573Arg)

Gene: F8 (coagulation factor VIII; minus strand). Cytogenetic location: Xq28.
Variant type: single nucleotide variant.
Coding change: c.1717T>C on transcript NM_000132.4 (MANE Select); coding-DNA position 1717, T replaced by C.
Protein change: p.Cys573Arg; replaces cysteine 573 with arginine.
Molecular consequence: missense variant.
Genome position (GRCh38, 1-based): chrX:154,956,992, A>G on the plus strand (T>C on the coding strand, the complement: F8 is on the minus strand). VCF-style: chrX-154956992-A-G. GRCh37 (hg19) VCF-style: chrX-154185267-A-G.
Other names: short protein forms C573R.
Identifiers: ClinVar variation 3766947 (VCV003766947.1).
Genomic context (GRCh38, chrX:154,956,992, plus strand): 5'-AGCACTTGGAAAGGCAAGAACTCACCTGGTTTCCTCTTTGATCTACAGATTCTTTGTAGC[A>G]GATGAGGAGAGGGCCAATGAGTCCTGAAGCTAGATCTCTCTCCATATTAACGAAACTAGA-3'
Protein context (NP_000123.1, residues 563-583): ASGLIGPLLI[Cys573Arg]YKESVDQRGN

ClinVar aggregate classification (germline): Likely pathogenic (1 of 4 stars; one submission).

Submission:

ARUP Laboratories, Molecular Genetics and Genomics, ARUP Laboratories
Classification: Likely pathogenic. Last evaluated: 2024-10-30. Review status: criteria provided, single submitter. Criteria: ARUP Molecular Germline Variant Investigation Process 2024. Collection method: clinical testing. Allele origin: germline.
Comment: The F8 c.1717T>C; p.Cys573Arg variant (rs2073368036) is reported in the literature in individuals affected with hemophilia A (Chen 2021, Janczar 2019, Johnsen 2022). This variant is absent from the Genome Aggregation Database (v2.1.1), indicating it is not a common polymorphism. Additionally, other variants at this codon (c.1718G>T; p.Cys573Phe; c.1718G>A; p.Cys573Tyr) have been reported in individuals with hemophilia A and are considered disease causing (See F8 database and references therein). Computational analyses predict that this variant is deleterious (REVEL: 0.948). Based on available information, this variant is considered to be likely pathogenic. References: Link to F8 database: Chen J et al. The spectrum of FVIII gene variants detected by next generation sequencing in 236 Chinese non-inversion hemophilia A pedigrees. Thromb Res. 2021 Jun;202:8-13. PMID: 33706050. Janczar S et al. Recurrent and novel disease-causing F8 variants in boys with severe haemophilia A in Poland. Haemophilia. 2019 Jul;25(4):e311-e314. PMID: 31134694. Johnsen JM et al. Results of genetic analysis of 11?341 participants enrolled in the My Life, Our Future hemophilia genotyping initiative in the United States. J Thromb Haemost. 2022 Sep;20(9):2022-2034. PMID: 35770352.